The following is an entry in ClinVar:

NM_000444.6(PHEX):c.994del (p.Asp332fs)

Gene: PHEX (phosphate regulating endopeptidase X-linked; plus strand). Cytogenetic location: Xp22.11.
Variant type: Deletion.
Coding change: c.994del on transcript NM_000444.6 (MANE Select); coding-DNA position 994, one base deleted (G; older notation c.994delG).
Protein change: p.Asp332fs; shifts the reading frame from aspartic acid 332.
Molecular consequence: frameshift variant.
Genome position (GRCh38, 1-based): chrX:22,099,066, G deleted. VCF-style (leftmost placement, unchanged base first): chrX-22099065-AG-A. GRCh37 (hg19) VCF-style: chrX-22117183-AG-A.
Other names: c.994del, p.Asp332fs (NM_001282754.2); short protein forms D332fs.
Identifiers: ClinVar variation 1073660 (VCV001073660.7), dbSNP rs2147047261, ClinGen allele CA2499226574.
Genomic context (GRCh38, chrX:22,099,065, plus strand): 5'-GTTCGACTGGCTGGGCTACATCAAGAAGGTCATTGACACCAGACTCTACCCCCATCTGAA[AG>A]ACATCAGCCCCTCCGAGAATGTGGTGGTCCGCGTCCCGCAGTACTTTAAAGATTTGTTTA-3'

ClinVar aggregate classification (germline): Pathogenic (1 of 4 stars; one submission).

Submission:

Labcorp Genetics (formerly Invitae), Labcorp
Classification: Pathogenic. Last evaluated: 2020-01-15. Review status: criteria provided, single submitter. Criteria: Invitae Variant Classification Sherloc (09022015). Collection method: clinical testing. Allele origin: germline.
Comment: For these reasons, this variant has been classified as Pathogenic. Loss-of-function variants in PHEX are known to be pathogenic (PMID: 9097956, 9106524, 19219621). This variant has not been reported in the literature in individuals with PHEX-related conditions. This variant is not present in population databases (ExAC no frequency). This sequence change creates a premature translational stop signal (p.Asp332Thrfs*23) in the PHEX gene. It is expected to result in an absent or disrupted protein product.

Literature cited by the submitters: PubMed 9097956; PubMed 9106524; PubMed 19219621.